The following is an entry in ClinVar:

NM_001267550.2(TTN):c.76566_76568dup (p.Arg25523dup)

Genes: TTN (titin; minus strand), TTN-AS1 (TTN antisense RNA 1; plus strand). Cytogenetic location: 2q31.2.
Variant type: Duplication.
Coding change: c.76566_76568dup on transcript NM_001267550.2 (MANE Select); coding-DNA positions 76566 to 76568, 3 bases duplicated (AAG; older notation c.76566_76568dupAAG).
Protein change: p.Arg25523dup; duplicates arginine 25523.
Molecular consequence: inframe insertion.
Genome position (GRCh38, 1-based): chr2:178,569,564-178,569,566, CTT duplicated on the plus strand (AAG on the coding strand, the reverse complement: TTN is on the minus strand). VCF-style (leftmost placement, unchanged base first): chr2-178569563-C-CCTT. GRCh37 (hg19) VCF-style: chr2-179434290-C-CCTT.
Other names: c.76566_76568dup (LRG_391t1); c.76566_76568dupAAG (NM_001267550.2, NM_001267550.1); c.71643_71645dup, p.Arg23882dup (NM_001256850.1); c.49371_49373dup, p.Arg16458dup (NM_003319.4); c.68862_68864dup, p.Arg22955dup (NM_133378.4); c.49746_49748dup, p.Arg16583dup (NM_133432.3); c.49947_49949dup, p.Arg16650dup (NM_133437.4); c.68862_68864dupAAG (NM_133378.4); and 1 more.
Identifiers: ClinVar variation 167769 (VCV000167769.19), dbSNP rs772268958, ClinGen allele CA235071.

ClinVar aggregate classification (germline): Conflicting classifications of pathogenicity. Review status: criteria provided, conflicting classifications (1 of 4 stars). 9 submissions from 9 submitters: Uncertain significance (5); Likely benign (1). 3 of the submissions do not count toward it. Last evaluated 2025-09-16.

Conditions:
Cardiovascular phenotype. Identifiers: MedGen CN230736.
Dilated cardiomyopathy 1G (CMD1G). Identifiers: Orphanet 154, MedGen C1858763, MONDO:0011400, OMIM 604145.
Autosomal recessive limb-girdle muscular dystrophy type 2J (LGMDR10). Also called: Limb-girdle muscular dystrophy, type 2J; MUSCULAR DYSTROPHY, LIMB-GIRDLE, AUTOSOMAL RECESSIVE 10. Identifiers: Orphanet 140922, MedGen C1837342, MONDO:0012127, OMIM 608807.
Cardiomyopathy (CMYO). Also called: Cardiomyopathies. Identifiers: Orphanet 167848, MedGen C0878544, MONDO:0004994, HP:0001638. Inheritance: Various modes of inheritance.
Hypertrophic cardiomyopathy. Also called: HYPERTROPHIC MYOCARDIOPATHY. Identifiers: Orphanet 217569, MedGen C0007194, MeSH D002312, MONDO:0005045, HP:0001639.

Allele frequency attached by ClinVar (database versions not stated): ExAC 0.00003; gnomAD 0.00006; gnomAD exomes 0.00006 and 0.00015; TOPMed 0.00008.

Submissions (9):

Women's Health and Genetics/Laboratory Corporation of America, LabCorp
Classification: Uncertain significance. Last evaluated: 2025-09-16. Review status: criteria provided, single submitter. Criteria: LabCorp Variant Classification Summary - May 2015. Collection method: clinical testing. Allele origin: germline.
Comment: Variant summary: TTN c.68862_68864dupAAG (p.Arg22955dup) results in an in-frame duplication that is predicted to duplicate one amino acids into the encoded protein. The variant allele was found at a frequency of 6.1e-05 in 247570 control chromosomes. This frequency is not significantly higher than estimated for disease-causing variants in TTN, allowing no conclusion about variant significance. c.68862_68864dupAAG has been observed in individual(s) affected with Dilated Cardiomyopathy (Verdonschot_2020). These report(s) do not provide unequivocal conclusions about association of the variant with Dilated Cardiomyopathy. To our knowledge, no experimental evidence demonstrating an impact on protein function has been reported. The following publication have been ascertained in the context of this evaluation (PMID: 32880476). ClinVar contains an entry for this variant (Variation ID: 167769). Based on the evidence outlined above, the variant was classified as uncertain significance.

CHEO Genetics Diagnostic Laboratory, Children's Hospital of Eastern Ontario
Classification: Uncertain significance for Cardiomyopathy. Last evaluated: 2021-08-25. Review status: criteria provided, single submitter. Criteria: ACMG Guidelines, 2015. Collection method: clinical testing. Allele origin: germline.

Revvity Omics, Revvity
Classification: Uncertain significance. Last evaluated: 2021-03-23. Review status: criteria provided, single submitter. Criteria: ACMG Guidelines, 2015. Collection method: clinical testing. Allele origin: germline.

Ambry Genetics
Classification: Likely benign for Cardiovascular phenotype. Last evaluated: 2020-05-26. Review status: criteria provided, single submitter. Criteria: Ambry Variant Classification Scheme 2023. Collection method: clinical testing. Allele origin: germline.

Clinical Molecular Genetics Laboratory, Johns Hopkins All Children's Hospital
Classification: Uncertain significance for Hypertrophic cardiomyopathy. Last evaluated: 2019-03-01. Review status: criteria provided, single submitter. Criteria: ACMG Guidelines, 2015. Collection method: clinical testing. Allele origin: germline. Inheritance: Autosomal dominant inheritance. Affected: yes. Observed: 1 heterozygote.

Labcorp Genetics (formerly Invitae), Labcorp
Classification: Uncertain significance for Dilated cardiomyopathy 1G; Autosomal recessive limb-girdle muscular dystrophy type 2J. Last evaluated: 2016-11-30. Review status: criteria provided, single submitter. Criteria: Invitae Variant Classification Sherloc (09022015). Collection method: clinical testing. Allele origin: germline.
Comment: This sequence change inserts 3 nucleotides in exon 326 of the TTN mRNA (c.76566_76568dupAAG). This leads to the insertion of 1 amino acid residue in the TTN protein (p.Arg25523dup) but otherwise preserves the integrity of the reading frame. This variant is present in population databases (rs772268958, ExAC 0.01%) but has not been reported in the literature in individuals with a TTN-related disease. ClinVar contains an entry for this variant (Variation ID: 167769). Experimental studies and prediction algorithms are not available for this variant, and the functional significance of the duplicated amino acid is currently unknown. In summary, this variant is a rare in-frame duplication with uncertain impact on protein function. There is no indication that it causes disease, but the available evidence is currently insufficient to prove that conclusively. Therefore, it has been classified as a Variant of Uncertain Significance.

Eurofins Ntd Llc (ga)
Classification: Uncertain significance. Last evaluated: 2014-03-19. Review status: no assertion criteria provided. Collection method: clinical testing. Allele origin: germline. Observed: 1 variant allele, 1 heterozygote. Not counted in ClinVar's aggregate classification.

Genome Diagnostics Laboratory, University Medical Center Utrecht
Classification: Uncertain significance. Review status: no assertion criteria provided. Collection method: clinical testing. Allele origin: germline. Affected: yes. Study: VKGL Data-share Consensus. Not counted in ClinVar's aggregate classification.

Joint Genome Diagnostic Labs from Nijmegen and Maastricht, Radboudumc and MUMC+
Classification: Uncertain significance. Review status: no assertion criteria provided. Collection method: clinical testing. Allele origin: germline. Affected: yes. Study: VKGL Data-share Consensus. Not counted in ClinVar's aggregate classification.

Literature cited by the submitters: PubMed 32880476 (cited by Women's Health and Genetics/Laboratory Corporation of America, LabCorp).